The following is an entry in ClinVar:

NM_018297.4(NGLY1):c.1790-12del

Gene: NGLY1 (N-glycanase 1; minus strand). Cytogenetic location: 3p24.2.
Variant type: Deletion.
Coding change: c.1790-12del on transcript NM_018297.4 (MANE Select); 12 bases into the intron before coding-DNA position 1790, one base deleted (T; older notation c.1790-12delT).
Molecular consequence: intron variant.
Genome position (GRCh38, 1-based): chr3:25,719,647, A deleted on the plus strand (T on the coding strand, the reverse complement: NGLY1 is on the minus strand); the first of 10 consecutive A bases (chr3:25,719,647-25,719,656); deleting any one gives the same sequence. VCF-style (leftmost placement, unchanged base first): chr3-25719646-GA-G. GRCh37 (hg19) VCF-style: chr3-25761137-GA-G.
Other names: c.1790-12delT (NM_018297.3); c.1664-12del (NM_001145294.2); c.1612-12del (NM_001145295.2); c.1736-12del (NM_001145293.2).
Identifiers: ClinVar variation 1570140 (VCV001570140.12), dbSNP rs531889481, ClinGen allele CA2289053.

ClinVar aggregate classification (germline): Benign/Likely benign. Review status: criteria provided, multiple submitters, no conflicts (2 of 4 stars). 3 submissions from 3 submitters: Benign (2); Likely benign (1). Last evaluated 2026-01-17.

Conditions:
Congenital disorder of deglycosylation (CDDG). Identifiers: MedGen C3808991, MONDO:0031376.

Submissions (3):

Labcorp Genetics (formerly Invitae), Labcorp
Classification: Benign for Congenital disorder of deglycosylation. Last evaluated: 2026-01-17. Review status: criteria provided, single submitter. Criteria: Invitae Variant Classification Sherloc (09022015). Collection method: clinical testing. Allele origin: germline.

Blueprint Genetics
Classification: Likely benign. Last evaluated: 2024-11-06. Review status: criteria provided, single submitter. Criteria: ACMG Guidelines, 2015. Collection method: clinical testing. Allele origin: germline.

Women's Health and Genetics/Laboratory Corporation of America, LabCorp
Classification: Benign. Last evaluated: 2023-01-11. Review status: criteria provided, single submitter. Criteria: LabCorp Variant Classification Summary - May 2015. Collection method: clinical testing. Allele origin: germline.
Comment: Variant summary: NGLY1 c.1790-12delT alters a nucleotide located close to a canonical splice site and therefore could affect mRNA splicing, leading to a significantly altered protein sequence. 4/4 computational tools predict no significant impact on normal splicing. However, these predictions have yet to be confirmed by functional studies. The variant allele was found at a frequency of 0.0013 in 174424 control chromosomes. The observed variant frequency is slightly higher than the estimated maximal expected allele frequency for a pathogenic variant in NGLY1 causing Congenital Disorder Of Deglycosylation phenotype (0.0011), strongly suggesting that the variant is benign. To our knowledge, no occurrence of c.1790-12delT in individuals affected with Congenital Disorder Of Deglycosylation and no experimental evidence demonstrating its impact on protein function have been reported. One clinical diagnostic laboratory has submitted clinical-significance assessments for this variant to ClinVar after 2014 without evidence for independent evaluation and classified the variant as benign. Based on the evidence outlined above, the variant was classified as benign.